The following is an entry in ClinVar:

NM_020719.3(PRR12):c.4590C>T (p.Pro1530=)

Gene: PRR12 (proline rich 12; plus strand). Cytogenetic location: 19q13.33.
Variant type: single nucleotide variant.
Coding change: c.4590C>T on transcript NM_020719.3 (MANE Select); coding-DNA position 4590, C replaced by T.
Protein change: p.Pro1530=; no amino-acid change (proline 1530 retained).
Molecular consequence: synonymous variant.
Genome position (GRCh38, 1-based): chr19:49,601,735, C>T. VCF-style: chr19-49601735-C-T. GRCh37 (hg19) VCF-style: chr19-50104992-C-T.
Identifiers: ClinVar variation 3052510 (VCV003052510.7), dbSNP rs774206722, ClinGen allele CA9578519.

ClinVar aggregate classification (germline): Likely benign. Review status: criteria provided, single submitter (1 of 4 stars). 2 submissions from 2 submitters: Likely benign (1). 1 of the submissions does not count toward it. Last evaluated 2026-03-01.

Conditions:
PRR12-related disorder. Also called: PRR12-related condition.

Allele frequency attached by ClinVar (database versions not stated): gnomAD exomes 0.00002; gnomAD 0.00003; TOPMed 0.00003.
gnomAD v4.1: 30 of 1,548,124 alleles (0.0019%); highest among the groups gnomAD compares: African/African-American, 0.012%; no homozygotes.

Submissions (2):

CeGaT Center for Human Genetics Tuebingen
Classification: Likely benign. Last evaluated: 2026-03-01. Review status: criteria provided, single submitter. Criteria: CeGaT Center For Human Genetics Tuebingen Variant Classification Criteria Version 2. Collection method: clinical testing. Allele origin: germline. Affected: yes. Observed: 2 variant alleles.
Comment: PRR12: BP4, BP7

PreventionGenetics, part of Exact Sciences
Classification: Likely benign for PRR12-related condition. Last evaluated: 2019-04-25. Review status: no assertion criteria provided. Collection method: clinical testing. Allele origin: germline. Not counted in ClinVar's aggregate classification.
Comment: This variant is classified as likely benign based on ACMG/AMP sequence variant interpretation guidelines (Richards et al. 2015 PMID: 25741868, with internal and published modifications).